The following is an entry in ClinVar:

NM_003120.3(SPI1):c.471T>C (p.Pro157=)

Gene: SPI1 (Spi-1 proto-oncogene; minus strand). Cytogenetic location: 11p11.2.
Variant type: single nucleotide variant.
Coding change: c.471T>C on transcript NM_003120.3 (MANE Select); coding-DNA position 471, T replaced by C.
Protein change: p.Pro157=; no amino-acid change (proline 157 retained).
Molecular consequence: synonymous variant.
Genome position (GRCh38, 1-based): chr11:47,358,866, A>G on the plus strand (T>C on the coding strand, the complement: SPI1 is on the minus strand). VCF-style: chr11-47358866-A-G. GRCh37 (hg19) VCF-style: chr11-47380417-A-G.
Other names: c.474T>C, p.Pro158= (NM_001080547.2).
Identifiers: ClinVar variation 4872893 (VCV004872893.2).

ClinVar aggregate classification (germline): Likely benign (1 of 4 stars; one submission).

Submission:

CeGaT Center for Human Genetics Tuebingen
Classification: Likely benign. Last evaluated: 2026-05-01. Review status: criteria provided, single submitter. Criteria: CeGaT Center For Human Genetics Tuebingen Variant Classification Criteria Version 2. Collection method: clinical testing. Allele origin: germline. Affected: yes. Observed: 1 variant allele.
Comment: SPI1: PM2:Supporting, BP4, BP7